The following is an entry in ClinVar:

NM_032888.4(COL27A1):c.2116G>A (p.Gly706Arg)

Gene: COL27A1 (collagen type XXVII alpha 1 chain; plus strand). Cytogenetic location: 9q32.
Variant type: single nucleotide variant.
Coding change: c.2116G>A on transcript NM_032888.4 (MANE Select); coding-DNA position 2116, G replaced by A.
Protein change: p.Gly706Arg; replaces glycine 706 with arginine.
Molecular consequence: missense variant.
Genome position (GRCh38, 1-based): chr9:114,196,004, G>A. VCF-style: chr9-114196004-G-A. GRCh37 (hg19) VCF-style: chr9-116958284-G-A.
Other names: short protein forms G706R.
Identifiers: ClinVar variation 2631983 (VCV002631983.3), dbSNP rs759635566, ClinGen allele CA198626361.
Genomic context (GRCh38, chr9:114,196,004, plus strand): 5'-GTCTGTGTCTTCCAGGGTGACATGGGCTTGCCTGGGCTCTCCGGGAATCCAGGACCTCCG[G>A]GACGAAAGGTACTGTTTGGTTTTGATGCTTTGCCTTGCGCAGTGGGCCTCCTAGCAAGCC-3'
Protein context (NP_116277.2, residues 696-716): PGLSGNPGPP[Gly706Arg]RKGHKGYPGP

ClinVar aggregate classification (germline): Uncertain significance (1 of 4 stars; one submission).

Conditions:
COL27A1-related disorder. Also called: COL27A1-related condition.

gnomAD v4.1: 6 of 1,614,068 alleles (0.00037%); highest among the groups gnomAD compares: Non-Finnish European, 0.00051%; no homozygotes.

Submission:

PreventionGenetics, part of Exact Sciences
Classification: Uncertain significance for COL27A1-related condition. Last evaluated: 2026-05-07. Review status: criteria provided, single submitter. Criteria: ACMG Guidelines, 2015. Collection method: clinical testing. Allele origin: germline.
Comment: The COL27A1 c.2116G>A variant is predicted to result in the amino acid substitution p.Gly706Arg. To our knowledge, this variant has not been reported in the literature or in a large population database (gnomAD), indicating this variant is rare. The amino acid residue p.Gly706 resides within the triple helical domain of the COL27A1 protein (amino acids 625-1620; Pace et al. 2003. PubMed ID: 12714037). Glycine substitutions within this domain affect the folding and secretion of type XXVII collagen, and pathogenic variants altering glycine residues have been reported in individuals with COL27A1-related disorders (Gonzaga-Jauregui et al. 2015. PubMed ID: 24986830; Belbin et al. 2017. PubMed ID: 28895531; Amlie-Wolf et al. 2020. PubMed ID: 31903681; Gonzaga-Jauregui et al. 2020. PubMed ID: 32376988). Although we suspect that this variant may be pathogenic, at this time, the clinical significance of this variant is uncertain due to the absence of conclusive functional and genetic evidence.